The following is an entry in ClinVar:

ClinVar aggregate classification (germline): Uncertain significance. Review status: criteria provided, multiple submitters, no conflicts (2 of 4 stars). 2 submissions from 2 submitters: Uncertain significance (2). Last evaluated 2025-10-01.

Conditions:
Hereditary cancer-predisposing syndrome. Also called: Neoplastic Syndromes, Hereditary; Hereditary Cancer Syndrome; Tumor predisposition; Hereditary neoplastic syndrome. Identifiers: Orphanet 140162, MedGen C0027672, MeSH D009386, MONDO:0015356.
Ataxia-telangiectasia syndrome (AT). Also called: LOUIS-BAR SYNDROME; Cerebello-oculocutaneous telangiectasia; Immunodeficiency with ataxia telangiectasia; Ataxia-telangiectasia, complementation group D; AT, COMPLEMENTATION GROUP C; Ataxia-telangiectasia, complementation group E. Identifiers: Orphanet 100, MedGen C0004135, MONDO:0008840, OMIM 208900.

Allele frequency attached by ClinVar (database versions not stated): gnomAD exomes below 0.00001.
gnomAD v4.1: 1 of 1,614,122 alleles (0.000062%); highest among the groups gnomAD compares: Non-Finnish European, 0.000085%; no homozygotes.

Submissions (2):

Labcorp Genetics (formerly Invitae), Labcorp
Classification: Uncertain significance for Ataxia-telangiectasia syndrome. Last evaluated: 2025-10-01. Review status: criteria provided, single submitter. Criteria: Invitae Variant Classification Sherloc (09022015). Collection method: clinical testing. Allele origin: germline.
Comment: This sequence change replaces glycine, which is neutral and non-polar, with arginine, which is basic and polar, at codon 2694 of the ATM protein (p.Gly2694Arg). This variant is not present in population databases (gnomAD no frequency). This variant has not been reported in the literature in individuals affected with ATM-related conditions. ClinVar contains an entry for this variant (Variation ID: 478934). Invitae Evidence Modeling of protein sequence and biophysical properties (such as structural, functional, and spatial information, amino acid conservation, physicochemical variation, residue mobility, and thermodynamic stability) indicates that this missense variant is expected to disrupt ATM protein function with a positive predictive value of 95%. In summary, the available evidence is currently insufficient to determine the role of this variant in disease. Therefore, it has been classified as a Variant of Uncertain Significance.

Ambry Genetics
Classification: Uncertain significance for Hereditary cancer-predisposing syndrome. Last evaluated: 2023-12-08. Review status: criteria provided, single submitter. Criteria: Ambry Variant Classification Scheme 2023. Collection method: clinical testing. Allele origin: germline.
Comment: The p.G2694R variant (also known as c.8080G>A), located in coding exon 54 of the ATM gene, results from a G to A substitution at nucleotide position 8080. The glycine at codon 2694 is replaced by arginine, an amino acid with dissimilar properties. This amino acid position is highly conserved in available vertebrate species. In addition, this alteration is predicted to be deleterious by in silico analysis. Since supporting evidence is limited at this time, the clinical significance of this alteration remains unclear.

NM_000051.4(ATM):c.8080G>A (p.Gly2694Arg)

Genes: ATM (ATM serine/threonine kinase; plus strand), C11orf65 (chromosome 11 open reading frame 65; minus strand). Cytogenetic location: 11q22.3.
Variant type: single nucleotide variant.
Coding change: c.8080G>A on transcript NM_000051.4 (MANE Select); coding-DNA position 8080, G replaced by A.
Protein change: p.Gly2694Arg; replaces glycine 2694 with arginine.
Molecular consequence: missense variant. On other transcripts: intron variant (2).
Genome position (GRCh38, 1-based): chr11:108,335,038, G>A. VCF-style: chr11-108335038-G-A. GRCh37 (hg19) VCF-style: chr11-108205765-G-A.
Other names: c.8080G>A, p.Gly2694Arg (NM_001351834.2); c.641-25967C>T (NM_001330368.2); c.*38+182C>T (NM_001351110.2); short protein forms G2694R.
Identifiers: ClinVar variation 478934 (VCV000478934.14), dbSNP rs1555127157, ClinGen allele CA382562025.